The following is an entry in ClinVar:

ClinVar aggregate classification (germline): Likely benign (1 of 4 stars; one submission).

Conditions:
LRRC45-related disorder. Also called: LRRC45-related condition.

gnomAD v4.1: 3 of 1,612,338 alleles (0.00019%); highest among the groups gnomAD compares: Non-Finnish European, 0.00025%; no homozygotes.

Submission:

PreventionGenetics, part of Exact Sciences
Classification: Likely benign for LRRC45-related condition. Last evaluated: 2025-02-21. Review status: criteria provided, single submitter. Criteria: ACMG Guidelines, 2015. Collection method: clinical testing. Allele origin: germline.
Comment: This variant is classified as likely benign based on ACMG/AMP sequence variant interpretation guidelines (Richards et al. 2015 PMID: 25741868, with internal and published modifications).

NM_144999.4(LRRC45):c.237C>T (p.Leu79=)

Gene: LRRC45 (leucine rich repeat containing 45; plus strand). Cytogenetic location: 17q25.3.
Variant type: single nucleotide variant.
Coding change: c.237C>T on transcript NM_144999.4 (MANE Select); coding-DNA position 237, C replaced by T.
Protein change: p.Leu79=; no amino-acid change (leucine 79 retained).
Molecular consequence: synonymous variant.
Genome position (GRCh38, 1-based): chr17:82,024,294, C>T. VCF-style: chr17-82024294-C-T. GRCh37 (hg19) VCF-style: chr17-79982170-C-T.
Identifiers: ClinVar variation 4989346 (VCV004989346.1).